The following is an entry in ClinVar:

NM_006618.5(KDM5B):c.576+296A>C

Gene: KDM5B (lysine demethylase 5B; minus strand). Cytogenetic location: 1q32.1.
Variant type: single nucleotide variant.
Coding change: c.576+296A>C on transcript NM_006618.5 (MANE Select); 296 bases into the intron after coding-DNA position 576, A replaced by C.
Molecular consequence: intron variant.
Genome position (GRCh38, 1-based): chr1:202,772,822, T>G on the plus strand (A>C on the coding strand, the complement: KDM5B is on the minus strand). VCF-style: chr1-202772822-T-G. GRCh37 (hg19) VCF-style: chr1-202741950-T-G.
Other names: c.561+296A>C (NM_001399817.1); c.576+296A>C (NM_001347591.2, NM_001314042.2).
Identifiers: ClinVar variation 2639807 (VCV002639807.24), dbSNP rs1285015736, ClinGen allele CA1011286500.

ClinVar aggregate classification (germline): Likely benign (1 of 4 stars; one submission).

Submission:

CeGaT Center for Human Genetics Tuebingen
Classification: Likely benign. Last evaluated: 2023-10-01. Review status: criteria provided, single submitter. Criteria: CeGaT Center For Human Genetics Tuebingen Variant Classification Criteria Version 2. Collection method: clinical testing. Allele origin: germline. Affected: yes. Observed: 1 variant allele.
Comment: KDM5B: BP4, BP7